The following is an entry in ClinVar:

NM_198075.4(LRRC56):c.1016G>A (p.Arg339Gln)

Gene: LRRC56 (leucine rich repeat containing 56; plus strand). Cytogenetic location: 11p15.5.
Variant type: single nucleotide variant.
Coding change: c.1016G>A on transcript NM_198075.4 (MANE Select); coding-DNA position 1016, G replaced by A.
Protein change: p.Arg339Gln; replaces arginine 339 with glutamine.
Molecular consequence: missense variant.
Genome position (GRCh38, 1-based): chr11:551,945, G>A. VCF-style: chr11-551945-G-A. GRCh37 (hg19) VCF-style: chr11-551945-G-A.
Other names: c.1016G>A (NM_198075.3); short protein forms R339Q.
Identifiers: ClinVar variation 1460874 (VCV001460874.4), dbSNP rs558302518, ClinGen allele CA5779906.

ClinVar aggregate classification (germline): Uncertain significance. Review status: criteria provided, multiple submitters, no conflicts (2 of 4 stars). 2 submissions from 2 submitters: Uncertain significance (2). Last evaluated 2022-04-28.

Allele frequency attached by ClinVar (database versions not stated): ExAC 0.00003; gnomAD 0.00003 and 0.00004; gnomAD exomes 0.00003; TOPMed 0.00004; 1000 Genomes Project 30x 0.00016; 1000 Genomes Project 0.00020.
gnomAD v4.1: 60 of 1,612,696 alleles (0.0037%); highest among the groups gnomAD compares: East Asian, 0.016%; no homozygotes.

Submissions (2):

Ambry Genetics
Classification: Uncertain significance. Last evaluated: 2022-04-28. Review status: criteria provided, single submitter. Criteria: Ambry Variant Classification Scheme 2023. Collection method: clinical testing. Allele origin: germline.

Labcorp Genetics (formerly Invitae), Labcorp
Classification: Uncertain significance. Last evaluated: 2022-03-07. Review status: criteria provided, single submitter. Criteria: Invitae Variant Classification Sherloc (09022015). Collection method: clinical testing. Allele origin: germline.
Comment: This sequence change replaces arginine, which is basic and polar, with glutamine, which is neutral and polar, at codon 339 of the LRRC56 protein (p.Arg339Gln). This variant is present in population databases (rs558302518, gnomAD 0.02%). This variant has not been reported in the literature in individuals affected with LRRC56-related conditions. Algorithms developed to predict the effect of missense changes on protein structure and function output the following: SIFT: "Deleterious"; PolyPhen-2: "Benign"; Align-GVGD: "Class C0". The glutamine amino acid residue is found in multiple mammalian species, which suggests that this missense change does not adversely affect protein function. In summary, the available evidence is currently insufficient to determine the role of this variant in disease. Therefore, it has been classified as a Variant of Uncertain Significance.